The following is an entry in ClinVar:

NM_054012.4(ASS1):c.500A>G (p.His167Arg)

Gene: ASS1 (argininosuccinate synthase 1; plus strand). Cytogenetic location: 9q34.11.
Variant type: single nucleotide variant.
Coding change: c.500A>G on transcript NM_054012.4 (MANE Select); coding-DNA position 500, A replaced by G.
Protein change: p.His167Arg; replaces histidine 167 with arginine.
Molecular consequence: missense variant.
Genome position (GRCh38, 1-based): chr9:130,470,838, A>G. VCF-style: chr9-130470838-A-G. GRCh37 (hg19) VCF-style: chr9-133346225-A-G.
Other names: c.500A>G, p.His167Arg (NM_000050.4); short protein forms H167R.
Identifiers: ClinVar variation 1902297 (VCV001902297.4), dbSNP rs577627504, ClinGen allele CA200617256.

ClinVar aggregate classification (germline): Uncertain significance (1 of 4 stars; one submission).

Conditions:
Citrullinemia. Identifiers: Orphanet 187, MedGen C0175683, MONDO:0015991.

Allele frequency attached by ClinVar (database versions not stated): 1000 Genomes Project 0.00020; TOPMed below 0.00001; gnomAD 0.00001; 1000 Genomes Project 30x 0.00016.
gnomAD v4.1: 2 of 1,614,034 alleles (0.00012%); highest among the groups gnomAD compares: East Asian, 0.0022%; no homozygotes.

Submission:

Labcorp Genetics (formerly Invitae), Labcorp
Classification: Uncertain significance for Citrullinemia. Last evaluated: 2024-11-04. Review status: criteria provided, single submitter. Criteria: Invitae Variant Classification Sherloc (09022015). Collection method: clinical testing. Allele origin: germline.
Comment: This sequence change replaces histidine, which is basic and polar, with arginine, which is basic and polar, at codon 167 of the ASS1 protein (p.His167Arg). This variant is not present in population databases (gnomAD no frequency). This variant has not been reported in the literature in individuals affected with ASS1-related conditions. ClinVar contains an entry for this variant (Variation ID: 1902297). Invitae Evidence Modeling of protein sequence and biophysical properties (such as structural, functional, and spatial information, amino acid conservation, physicochemical variation, residue mobility, and thermodynamic stability) indicates that this missense variant is not expected to disrupt ASS1 protein function with a negative predictive value of 80%. In summary, the available evidence is currently insufficient to determine the role of this variant in disease. Therefore, it has been classified as a Variant of Uncertain Significance.